The following is an entry in ClinVar:

NM_004655.4(AXIN2):c.2381A>G (p.Gln794Arg)

Gene: AXIN2 (axin 2; minus strand). Cytogenetic location: 17q24.1.
Variant type: single nucleotide variant.
Coding change: c.2381A>G on transcript NM_004655.4 (MANE Select); coding-DNA position 2381, A replaced by G.
Protein change: p.Gln794Arg; replaces glutamine 794 with arginine.
Molecular consequence: missense variant.
Genome position (GRCh38, 1-based): chr17:65,533,936, T>C on the plus strand (A>G on the coding strand, the complement: AXIN2 is on the minus strand). VCF-style: chr17-65533936-T-C. GRCh37 (hg19) VCF-style: chr17-63530054-T-C.
Other names: c.2186A>G, p.Gln729Arg (NM_001363813.1); c.2381A>G (NM_004655.3); short protein forms Q729R, Q794R.
Identifiers: ClinVar variation 1515686 (VCV001515686.7), dbSNP rs2144418412, ClinGen allele CA400675368.

ClinVar aggregate classification (germline): Uncertain significance. Review status: criteria provided, multiple submitters, no conflicts (2 of 4 stars). 2 submissions from 2 submitters: Uncertain significance (2). Last evaluated 2024-07-19.

Conditions:
Hereditary cancer-predisposing syndrome. Also called: Tumor predisposition; Neoplastic Syndromes, Hereditary; Hereditary neoplastic syndrome; Hereditary Cancer Syndrome. Identifiers: Orphanet 140162, MedGen C0027672, MeSH D009386, MONDO:0015356.
Oligodontia-cancer predisposition syndrome. Also called: TOOTH AGENESIS-COLORECTAL CANCER SYNDROME. Identifiers: Orphanet 300576, MedGen C1837750, MONDO:0012075, OMIM 608615. Disease mechanism: loss of function.

gnomAD v4.1: 1 of 1,614,124 alleles (0.000062%); no homozygotes.

Submissions (2):

Labcorp Genetics (formerly Invitae), Labcorp
Classification: Uncertain significance for Oligodontia-cancer predisposition syndrome. Last evaluated: 2024-07-19. Review status: criteria provided, single submitter. Criteria: Invitae Variant Classification Sherloc (09022015). Collection method: clinical testing. Allele origin: germline.
Comment: This sequence change replaces glutamine, which is neutral and polar, with arginine, which is basic and polar, at codon 794 of the AXIN2 protein (p.Gln794Arg). This variant is not present in population databases (gnomAD no frequency). This variant has not been reported in the literature in individuals affected with AXIN2-related conditions. ClinVar contains an entry for this variant (Variation ID: 1515686). Advanced modeling of protein sequence and biophysical properties (such as structural, functional, and spatial information, amino acid conservation, physicochemical variation, residue mobility, and thermodynamic stability) performed at Invitae indicates that this missense variant is expected to disrupt AXIN2 protein function with a positive predictive value of 80%. In summary, the available evidence is currently insufficient to determine the role of this variant in disease. Therefore, it has been classified as a Variant of Uncertain Significance.

Ambry Genetics
Classification: Uncertain significance for Hereditary cancer-predisposing syndrome. Last evaluated: 2024-02-05. Review status: criteria provided, single submitter. Criteria: Ambry Variant Classification Scheme 2023. Collection method: clinical testing. Allele origin: germline.